The following is an entry in ClinVar:

ClinVar aggregate classification (germline): Uncertain significance. Review status: criteria provided, multiple submitters, no conflicts (2 of 4 stars). 3 submissions from 3 submitters: Uncertain significance (2). 1 of the submissions does not count toward it. Last evaluated 2023-10-11.

Conditions:
GATA5-related disorder. Also called: GATA5-related condition.
Congenital heart defects, multiple types, 5. Identifiers: MedGen C4693563, MONDO:0060663, OMIM 617912.

Submissions (3):

Laboratorio de Genetica e Diagnostico Molecular, Hospital Israelita Albert Einstein
Classification: Uncertain significance for Congenital heart defects, multiple types, 5. Last evaluated: 2023-10-11. Review status: criteria provided, single submitter. Criteria: ACMG Guidelines, 2015. Collection method: clinical testing. Allele origin: germline. Affected: yes.
Comment: ACMG classification criteria: PM2 supporting, PP3 supporting

Labcorp Genetics (formerly Invitae), Labcorp
Classification: Uncertain significance. Last evaluated: 2022-05-01. Review status: criteria provided, single submitter. Criteria: Invitae Variant Classification Sherloc (09022015). Collection method: clinical testing. Allele origin: germline.
Comment: This variant has not been reported in the literature in individuals affected with GATA5-related conditions. In summary, the available evidence is currently insufficient to determine the role of this variant in disease. Therefore, it has been classified as a Variant of Uncertain Significance. Algorithms developed to predict the effect of missense changes on protein structure and function are either unavailable or do not agree on the potential impact of this missense change (SIFT: "Deleterious"; PolyPhen-2: "Benign"; Align-GVGD: "Class C0"). This variant is not present in population databases (gnomAD no frequency). This sequence change replaces proline, which is neutral and non-polar, with leucine, which is neutral and non-polar, at codon 31 of the GATA5 protein (p.Pro31Leu).

PreventionGenetics, part of Exact Sciences
Classification: Uncertain significance for GATA5-related condition. Last evaluated: 2024-04-09. Review status: no assertion criteria provided. Collection method: clinical testing. Allele origin: germline. Not counted in ClinVar's aggregate classification.
Comment: The GATA5 c.92C>T variant is predicted to result in the amino acid substitution p.Pro31Leu. To our knowledge, this variant has not been reported in the literature or in a large population database, indicating this variant is rare. At this time, the clinical significance of this variant is uncertain due to the absence of conclusive functional and genetic evidence.

NM_080473.5(GATA5):c.92C>T (p.Pro31Leu)

Gene: GATA5 (GATA binding protein 5; minus strand). Cytogenetic location: 20q13.33.
Variant type: single nucleotide variant.
Coding change: c.92C>T on transcript NM_080473.5 (MANE Select); coding-DNA position 92, C replaced by T.
Protein change: p.Pro31Leu; replaces proline 31 with leucine.
Molecular consequence: missense variant.
Genome position (GRCh38, 1-based): chr20:62,475,430, G>A on the plus strand (C>T on the coding strand, the complement: GATA5 is on the minus strand). VCF-style: chr20-62475430-G-A. GRCh37 (hg19) VCF-style: chr20-61050486-G-A.
Other names: c.92C>T (NM_080473.4); short protein forms P31L.
Identifiers: ClinVar variation 1915561 (VCV001915561.7), dbSNP rs1332121694, ClinGen allele CA409557896.